The following is an entry in ClinVar:

NM_014727.3(KMT2B):c.7336C>G (p.Arg2446Gly)

Gene: KMT2B (lysine methyltransferase 2B; plus strand). Cytogenetic location: 19q13.12.
Variant type: single nucleotide variant.
Coding change: c.7336C>G on transcript NM_014727.3 (MANE Select); coding-DNA position 7336, C replaced by G.
Protein change: p.Arg2446Gly; replaces arginine 2446 with glycine.
Molecular consequence: missense variant.
Genome position (GRCh38, 1-based): chr19:35,736,950, C>G. VCF-style: chr19-35736950-C-G. GRCh37 (hg19) VCF-style: chr19-36227851-C-G.
Other names: short protein forms R2446G.
Identifiers: ClinVar variation 1995910 (VCV001995910.5), dbSNP rs2513365635, ClinGen allele CA405436047.

ClinVar aggregate classification (germline): Uncertain significance. Review status: criteria provided, multiple submitters, no conflicts (2 of 4 stars). 2 submissions from 2 submitters: Uncertain significance (2). Last evaluated 2022-11-15.

Submissions (2):

Blueprint Genetics
Classification: Uncertain significance. Last evaluated: 2022-11-15. Review status: criteria provided, single submitter. Criteria: ACMG Guidelines, 2015. Collection method: clinical testing. Allele origin: germline.

Labcorp Genetics (formerly Invitae), Labcorp
Classification: Uncertain significance. Last evaluated: 2022-05-18. Review status: criteria provided, single submitter. Criteria: Invitae Variant Classification Sherloc (09022015). Collection method: clinical testing. Allele origin: germline.
Comment: In summary, the available evidence is currently insufficient to determine the role of this variant in disease. Therefore, it has been classified as a Variant of Uncertain Significance. Algorithms developed to predict the effect of missense changes on protein structure and function are either unavailable or do not agree on the potential impact of this missense change (SIFT: "Deleterious"; PolyPhen-2: "Not Available"; Align-GVGD: "Class C0"). This variant has not been reported in the literature in individuals affected with KMT2B-related conditions. This variant is not present in population databases (gnomAD no frequency). This sequence change replaces arginine, which is basic and polar, with glycine, which is neutral and non-polar, at codon 2446 of the KMT2B protein (p.Arg2446Gly).